The following is an entry in ClinVar:

ClinVar aggregate classification (germline): Uncertain significance (1 of 4 stars; one submission).

Submission:

Women's Health and Genetics/Laboratory Corporation of America, LabCorp
Classification: Uncertain significance. Last evaluated: 2024-05-01. Review status: criteria provided, single submitter. Criteria: LabCorp Variant Classification Summary - May 2015. Collection method: clinical testing. Allele origin: germline.
Comment: Variant summary: CHD5 c.*71G>T is located in the untranslated mRNA region downstream of the termination codon. The variant was absent in 148556 control chromosomes. The available data on variant occurrences in the general population are insufficient to allow any conclusion about variant significance. To our knowledge, no occurrence of c.*71G>T in individuals affected with Parenti-Mignot Neurodevelopmental Syndrome and no experimental evidence demonstrating its impact on protein function have been reported. No submitters have cited clinical-significance assessments for this variant to ClinVar. Based on the evidence outlined above, the variant was classified as uncertain significance.

NM_015557.3(CHD5):c.*71G>T

Gene: CHD5 (chromodomain helicase DNA binding protein 5; minus strand). Cytogenetic location: 1p36.31.
Variant type: single nucleotide variant.
Coding change: c.*71G>T on transcript NM_015557.3 (MANE Select); 71 bases downstream of the stop codon, G replaced by T.
Molecular consequence: 3 prime UTR variant.
Genome position (GRCh38, 1-based): chr1:6,105,403, C>A on the plus strand (G>T on the coding strand, the complement: CHD5 is on the minus strand). VCF-style: chr1-6105403-C-A. GRCh37 (hg19) VCF-style: chr1-6165463-C-A.
Identifiers: ClinVar variation 3336302 (VCV003336302.1).